The following is an entry in ClinVar:

ClinVar aggregate classification (germline): Uncertain significance (1 of 4 stars; one submission).

Conditions:
TSHZ3-related disorder. Also called: TSHZ3-related condition.

gnomAD v4.1: 210 of 1,613,098 alleles (0.013%); highest among the groups gnomAD compares: African/African-American, 0.033%; no homozygotes.

Submission:

PreventionGenetics, part of Exact Sciences
Classification: Uncertain significance for TSHZ3-related condition. Last evaluated: 2025-02-21. Review status: criteria provided, single submitter. Criteria: ACMG Guidelines, 2015. Collection method: clinical testing. Allele origin: germline.
Comment: The TSHZ3 c.1757C>T variant is predicted to result in the amino acid substitution p.Thr586Met. To our knowledge, this variant has not been reported in the literature. This variant is reported in 0.040% of alleles in individuals of East Asian descent in gnomAD. At this time, the clinical significance of this variant is uncertain due to the absence of conclusive functional and genetic evidence.

NM_020856.4(TSHZ3):c.1757C>T (p.Thr586Met)

Gene: TSHZ3 (teashirt zinc finger homeobox 3; minus strand). Cytogenetic location: 19q12.
Variant type: single nucleotide variant.
Coding change: c.1757C>T on transcript NM_020856.4 (MANE Select); coding-DNA position 1757, C replaced by T.
Protein change: p.Thr586Met; replaces threonine 586 with methionine.
Molecular consequence: missense variant.
Genome position (GRCh38, 1-based): chr19:31,278,036, G>A on the plus strand (C>T on the coding strand, the complement: TSHZ3 is on the minus strand). VCF-style: chr19-31278036-G-A. GRCh37 (hg19) VCF-style: chr19-31768942-G-A.
Other names: short protein forms T586M.
Identifiers: ClinVar variation 4984564 (VCV004984564.1).